The following is an entry in ClinVar:

NM_017780.4(CHD7):c.2684del (p.Asp895fs)

Gene: CHD7 (chromodomain helicase DNA binding protein 7; plus strand). Cytogenetic location: 8q12.2.
Variant type: Deletion.
Coding change: c.2684del on transcript NM_017780.4 (MANE Select); coding-DNA position 2684, one base deleted (A; older notation c.2684delA).
Protein change: p.Asp895fs; shifts the reading frame from aspartic acid 895.
Molecular consequence: frameshift variant. On other transcripts: intron variant (1).
Genome position (GRCh38, 1-based): chr8:60,820,077, A deleted. VCF-style (leftmost placement, unchanged base first): chr8-60820076-GA-G. GRCh37 (hg19) VCF-style: chr8-61732635-GA-G.
Other names: c.1716+39027del (NM_001316690.1); short protein forms D895fs.
Identifiers: ClinVar variation 2102430 (VCV002102430.4), dbSNP rs2487793416, ClinGen allele CA2580078428.

ClinVar aggregate classification (germline): Pathogenic (1 of 4 stars; one submission).

Conditions:
CHARGE syndrome (CHARGE). Also called: Hittner Hirsch Kreh syndrome; CHARGE ASSOCIATION--COLOBOMA, HEART ANOMALY, CHOANAL ATRESIA, RETARDATION, GENITAL AND EAR ANOMALIES; Coloboma, heart anomaly, choanal atresia, retardation, genital and ear anomalies; CHARGE association; Hall-Hittner syndrome. Identifiers: Orphanet 138, MedGen C0265354, MONDO:0008965.

Submission:

Labcorp Genetics (formerly Invitae), Labcorp
Classification: Pathogenic for CHARGE syndrome. Last evaluated: 2022-02-23. Review status: criteria provided, single submitter. Criteria: Invitae Variant Classification Sherloc (09022015). Collection method: clinical testing. Allele origin: germline.
Comment: This sequence change creates a premature translational stop signal (p.Asp895Valfs*7) in the CHD7 gene. It is expected to result in an absent or disrupted protein product. Loss-of-function variants in CHD7 are known to be pathogenic (PMID: 22461308, 25077900). This variant is not present in population databases (gnomAD no frequency). This variant has not been reported in the literature in individuals affected with CHD7-related conditions. For these reasons, this variant has been classified as Pathogenic.

Literature cited by the submitters: PubMed 22461308; PubMed 25077900.